The following is an entry in ClinVar:

NM_018942.3(HMX1):c.910T>A (p.Phe304Ile)

Gene: HMX1 (H6 family homeobox 1; minus strand). Cytogenetic location: 4p16.1.
Variant type: single nucleotide variant.
Coding change: c.910T>A on transcript NM_018942.3 (MANE Select); coding-DNA position 910, T replaced by A.
Protein change: p.Phe304Ile; replaces phenylalanine 304 with isoleucine.
Molecular consequence: missense variant. On other transcripts: intron variant (1).
Genome position (GRCh38, 1-based): chr4:8,867,830, A>T on the plus strand (T>A on the coding strand, the complement: HMX1 is on the minus strand). VCF-style: chr4-8867830-A-T. GRCh37 (hg19) VCF-style: chr4-8869556-A-T.
Other names: c.394+3391T>A (NM_001306142.2); c.910T>A (NM_018942.2); short protein forms F304I.
Identifiers: ClinVar variation 1037555 (VCV001037555.7), dbSNP rs1385083256, ClinGen allele CA356277509.

ClinVar aggregate classification (germline): Uncertain significance. Review status: criteria provided, multiple submitters, no conflicts (2 of 4 stars). 2 submissions from 2 submitters: Uncertain significance (2). Last evaluated 2025-09-12.

Conditions:
Inborn genetic diseases. Identifiers: MedGen C0950123, MeSH D030342.

Allele frequency attached by ClinVar (database versions not stated): gnomAD 0.00002 and 0.00003; TOPMed 0.00002; gnomAD exomes 0.00003.
gnomAD v4.1: 33 of 1,223,018 alleles (0.0027%); highest among the groups gnomAD compares: Admixed American, 0.0087%; no homozygotes.

Submissions (2):

Ambry Genetics
Classification: Uncertain significance for Inborn genetic diseases. Last evaluated: 2025-09-12. Review status: criteria provided, single submitter. Criteria: Ambry Variant Classification Scheme 2023. Collection method: clinical testing. Allele origin: germline.

Labcorp Genetics (formerly Invitae), Labcorp
Classification: Uncertain significance. Last evaluated: 2022-05-13. Review status: criteria provided, single submitter. Criteria: Invitae Variant Classification Sherloc (09022015). Collection method: clinical testing. Allele origin: germline.
Comment: In summary, the available evidence is currently insufficient to determine the role of this variant in disease. Therefore, it has been classified as a Variant of Uncertain Significance. Algorithms developed to predict the effect of missense changes on protein structure and function are either unavailable or do not agree on the potential impact of this missense change (SIFT: "Tolerated"; PolyPhen-2: "Possibly Damaging"; Align-GVGD: "Class C0"). ClinVar contains an entry for this variant (Variation ID: 1037555). This variant has not been reported in the literature in individuals affected with HMX1-related conditions. This variant is not present in population databases (gnomAD no frequency). This sequence change replaces phenylalanine, which is neutral and non-polar, with isoleucine, which is neutral and non-polar, at codon 304 of the HMX1 protein (p.Phe304Ile).